The following is an entry in ClinVar:

NM_001282531.3(ADNP):c.949A>G (p.Thr317Ala)

Gene: ADNP (activity dependent neuroprotector homeobox; minus strand). Cytogenetic location: 20q13.13.
Variant type: single nucleotide variant.
Coding change: c.949A>G on transcript NM_001282531.3 (MANE Select); coding-DNA position 949, A replaced by G.
Protein change: p.Thr317Ala; replaces threonine 317 with alanine.
Molecular consequence: missense variant.
Genome position (GRCh38, 1-based): chr20:50,893,765, T>C on the plus strand (A>G on the coding strand, the complement: ADNP is on the minus strand). VCF-style: chr20-50893765-T-C. GRCh37 (hg19) VCF-style: chr20-49510302-T-C.
Other names: c.949A>G, p.Thr317Ala (NM_001282532.2, NM_001347511.2, NM_015339.5 and 1 more transcripts); c.949A>G (NM_015339.2); short protein forms T317A.
Identifiers: ClinVar variation 2181976 (VCV002181976.6), dbSNP rs552903532, ClinGen allele CA9908811.

ClinVar aggregate classification (germline): Likely benign. Review status: criteria provided, multiple submitters, no conflicts (2 of 4 stars). 3 submissions from 3 submitters: Likely benign (3). Last evaluated 2025-09-02.

Conditions:
Inborn genetic diseases. Identifiers: MedGen C0950123, MeSH D030342.

Allele frequency attached by ClinVar (database versions not stated): TOPMed below 0.00001; gnomAD 0.00003; gnomAD exomes 0.00006; ExAC 0.00011; 1000 Genomes Project 0.00020.
gnomAD v4.1: 92 of 1,614,170 alleles (0.0057%); highest among the groups gnomAD compares: South Asian, 0.074%; 1 homozygote.

Submissions (3):

Women's Health and Genetics/Laboratory Corporation of America, LabCorp
Classification: Likely benign. Last evaluated: 2025-09-02. Review status: criteria provided, single submitter. Criteria: LabCorp Variant Classification Summary - May 2015. Collection method: clinical testing. Allele origin: germline.
Comment: Variant summary: ADNP c.949A>G (p.Thr317Ala) results in a non-conservative amino acid change in the encoded protein sequence. Algorithms developed to predict the effect of missense changes on protein structure and function are either unavailable or do not agree on the potential impact of this missense change. The variant allele was found at a frequency of 0.00012 in 251344 control chromosomes, predominantly at a frequency of 0.00085 within the South Asian subpopulation in the gnomAD database v2 database. This frequency is not significantly higher than estimated for disease-causing variants in ADNP, allowing no conclusion about variant significance. However in the gnomAD v4 database, this variant was fround with 92 heterozygotes and 1 homozygote. To our knowledge, no occurrence of c.949A>G in individuals affected with ADNP-related conditions and no experimental evidence demonstrating its impact on protein function have been reported. ClinVar contains an entry for this variant (Variation ID: 2181976). Based on the evidence outlined above, the variant was classified as likely benign.

Labcorp Genetics (formerly Invitae), Labcorp
Classification: Likely benign. Last evaluated: 2025-07-24. Review status: criteria provided, single submitter. Criteria: Invitae Variant Classification Sherloc (09022015). Collection method: clinical testing. Allele origin: germline.

Ambry Genetics
Classification: Likely benign for Inborn genetic diseases. Last evaluated: 2025-01-09. Review status: criteria provided, single submitter. Criteria: Ambry Variant Classification Scheme 2023. Collection method: clinical testing. Allele origin: germline.